The following is an entry in ClinVar:

NM_000521.4(HEXB):c.1514G>C (p.Arg505Pro)

Gene: HEXB (hexosaminidase subunit beta; plus strand). Cytogenetic location: 5q13.3.
Variant type: single nucleotide variant.
Coding change: c.1514G>C on transcript NM_000521.4 (MANE Select); coding-DNA position 1514, G replaced by C.
Protein change: p.Arg505Pro; replaces arginine 505 with proline.
Molecular consequence: missense variant.
Genome position (GRCh38, 1-based): chr5:74,720,648, G>C. VCF-style: chr5-74720648-G-C. GRCh37 (hg19) VCF-style: chr5-74016473-G-C.
Other names: c.839G>C, p.Arg280Pro (NM_001292004.2); short protein forms R280P, R505P.
Identifiers: ClinVar variation 1489776 (VCV001489776.8), dbSNP rs121907983, ClinGen allele CA360071097.
Genomic context (GRCh38, chr5:74,720,648, plus strand): 5'-AGTGCTAAACATAAATTTAAACTGCTTGCGGGGGGATGTGTGATTTAAATTTTAGGCCTC[G>C]GGCAAGTGCTGTTGGTGAGAGACTCTGGAGTTCCAAAGATGTCAGAGATATGGATGACGC-3'
Protein context (NP_000512.2, residues 495-515): ATNLTPRLWP[Arg505Pro]ASAVGERLWS

ClinVar aggregate classification (germline): Likely pathogenic (1 of 4 stars; one submission).

Conditions:
Sandhoff disease. Also called: Beta-hexosaminidase-beta-subunit deficiency; GM2 gangliosidosis, type 2; Total hexosaminidase deficiency; Sandhoff-Jatzkewitz-Pilz disease; GM2-GANGLIOSIDOSIS, TYPE II; HEXOSAMINIDASES A AND B DEFICIENCY. Identifiers: Orphanet 796, MedGen C0036161, MONDO:0010006, OMIM 268800.

Submission:

Labcorp Genetics (formerly Invitae), Labcorp
Classification: Likely pathogenic for Sandhoff disease. Last evaluated: 2021-03-27. Review status: criteria provided, single submitter. Criteria: Invitae Variant Classification Sherloc (09022015). Collection method: clinical testing. Allele origin: germline.
Comment: This sequence change replaces arginine with proline at codon 505 of the HEXB protein (p.Arg505Pro). The arginine residue is highly conserved and there is a moderate physicochemical difference between arginine and proline. This variant is not present in population databases (ExAC no frequency). This variant has not been reported in the literature in individuals with HEXB-related conditions. Advanced modeling of protein sequence and biophysical properties (such as structural, functional, and spatial information, amino acid conservation, physicochemical variation, residue mobility, and thermodynamic stability) performed at Invitae indicates that this missense variant is expected to disrupt HEXB protein function. This variant disrupts the p.Arg505 amino acid residue in HEXB. Other variant(s) that disrupt this residue have been determined to be pathogenic (PMID: 8950198, 12027830, 23759947, 8357844). This suggests that this residue is clinically significant, and that variants that disrupt this residue are likely to be disease-causing. In summary, the currently available evidence indicates that the variant is pathogenic, but additional data are needed to prove that conclusively. Therefore, this variant has been classified as Likely Pathogenic.

Literature cited by the submitters: PubMed 8950198; PubMed 12027830; PubMed 23759947; PubMed 8357844.